The following is an entry in ClinVar:

NM_001089.3(ABCA3):c.2588G>A (p.Arg863Lys)

Gene: ABCA3 (ATP binding cassette subfamily A member 3; minus strand). Cytogenetic location: 16p13.3.
Variant type: single nucleotide variant.
Coding change: c.2588G>A on transcript NM_001089.3 (MANE Select); coding-DNA position 2588, G replaced by A.
Protein change: p.Arg863Lys; replaces arginine 863 with lysine.
Molecular consequence: missense variant.
Genome position (GRCh38, 1-based): chr16:2,289,546, C>T on the plus strand (G>A on the coding strand, the complement: ABCA3 is on the minus strand). VCF-style: chr16-2289546-C-T. GRCh37 (hg19) VCF-style: chr16-2339547-C-T.
Other names: short protein forms R863K.
Identifiers: ClinVar variation 3573901 (VCV003573901.2).

ClinVar aggregate classification (germline): Uncertain significance (1 of 4 stars; one submission).

gnomAD v4.1: 75 of 1,569,588 alleles (0.0048%); highest among the groups gnomAD compares: Non-Finnish European, 0.006%; no homozygotes.

Submission:

GeneDx
Classification: Uncertain significance. Last evaluated: 2026-08-01. Review status: criteria provided, single submitter. Criteria: GeneDx Variant Classification Process June 2021. Collection method: clinical testing. Allele origin: germline.
Comment: In silico analysis suggests that this missense variant does not alter protein structure/function; Has not been previously published as pathogenic or benign to our knowledge